The following is an entry in ClinVar:

NM_000455.5(STK11):c.598-16C>T

Gene: STK11 (serine/threonine kinase 11; plus strand). Cytogenetic location: 19p13.3.
Variant type: single nucleotide variant.
Coding change: c.598-16C>T on transcript NM_000455.5 (MANE Select); 16 bases into the intron before coding-DNA position 598, C replaced by T.
Molecular consequence: intron variant.
Genome position (GRCh38, 1-based): chr19:1,220,565, C>T. VCF-style: chr19-1220565-C-T. GRCh37 (hg19) VCF-style: chr19-1220564-C-T.
Other names: c.598-16C>T (NM_001407255.1).
Identifiers: ClinVar variation 2749769 (VCV002749769.4), dbSNP rs2145424939, ClinGen allele CA2582592957.
Genomic context (GRCh38, chr19:1,220,565, plus strand): 5'-GGTAGGCACGTGCTAGGGGGGGCCCTGGGGCGCCCCCTCCCGGGCACTCCCTGAGGGCTG[C>T]ACGGCACCGCCACAGGCACTGCACCCGTTCGCGGCGGACGACACCTGCCGGACCAGCCAG-3'

ClinVar aggregate classification (germline): Likely benign. Review status: criteria provided, multiple submitters, no conflicts (2 of 4 stars). 2 submissions from 2 submitters: Likely benign (2). Last evaluated 2025-03-26.

Conditions:
Peutz-Jeghers syndrome (PJS). Also called: Peutz-Jeghers polyposis; Periorificial lentiginosis syndrome; POLYPOSIS, HAMARTOMATOUS INTESTINAL; POLYPS-AND-SPOTS SYNDROME. Identifiers: Orphanet 2869, MedGen C0031269, MeSH D010580, MONDO:0008280, OMIM 175200.

Allele frequency attached by ClinVar (database versions not stated): gnomAD exomes below 0.00001.
gnomAD v4.1: 1 of 1,573,906 alleles (0.000064%); no homozygotes.

Submissions (2):

Myriad Genetics, Inc.
Classification: Likely benign for Peutz-Jeghers syndrome. Last evaluated: 2025-03-26. Review status: criteria provided, single submitter. Criteria: Myriad Autosomal Dominant, Autosomal Recessive and X-Linked Classification Criteria (2023). Collection method: clinical testing. Allele origin: unknown.
Comment: This variant is considered likely benign. This variant is intronic and is not expected to impact mRNA splicing.

Labcorp Genetics (formerly Invitae), Labcorp
Classification: Likely benign for Peutz-Jeghers syndrome. Last evaluated: 2023-05-30. Review status: criteria provided, single submitter. Criteria: Invitae Variant Classification Sherloc (09022015). Collection method: clinical testing. Allele origin: germline.